The following is an entry in ClinVar:

NM_000268.4(NF2):c.1401A>T (p.Arg467Ser)

Gene: NF2 (NF2, moesin-ezrin-radixin like (MERLIN) tumor suppressor; plus strand). Cytogenetic location: 22q12.2.
Variant type: single nucleotide variant.
Coding change: c.1401A>T on transcript NM_000268.4 (MANE Select); coding-DNA position 1401, A replaced by T.
Protein change: p.Arg467Ser; replaces arginine 467 with serine.
Molecular consequence: missense variant. On other transcripts: non-coding transcript variant (1), intron variant (1).
Genome position (GRCh38, 1-based): chr22:29,674,896, A>T. VCF-style: chr22-29674896-A-T. GRCh37 (hg19) VCF-style: chr22-30070885-A-T.
Other names: c.1287A>T, p.Arg429Ser (NM_001407053.1, NM_001407056.1); c.1278A>T, p.Arg426Ser (NM_001407054.1, NM_001407058.1, NM_181829.3); c.1275A>T, p.Arg425Ser (NM_001407055.1, NM_181828.3); c.1266A>T, p.Arg422Ser (NM_001407057.1, NM_001407059.1); c.1401A>T, p.Arg467Ser (NM_001407060.1, NM_001407066.1, NM_016418.5 and 2 more transcripts); c.1143A>T, p.Arg381Ser (NM_001407062.1); c.1152A>T, p.Arg384Ser (NM_001407063.1, NM_001407064.1, NM_181830.3 and 1 more transcripts); c.867A>T, p.Arg289Ser (NM_001407065.1); and 2 more; short protein forms R390S, R422S, R429S, R384S, R467S, R425S, R426S, R289S.
Identifiers: ClinVar variation 3404995 (VCV003404995.1).

ClinVar aggregate classification (germline): Uncertain significance (1 of 4 stars; one submission).

Conditions:
Hereditary cancer-predisposing syndrome. Also called: Neoplastic Syndromes, Hereditary; Tumor predisposition; Hereditary Cancer Syndrome; Hereditary neoplastic syndrome. Identifiers: Orphanet 140162, MedGen C0027672, MeSH D009386, MONDO:0015356.

Submission:

Ambry Genetics
Classification: Uncertain significance for Hereditary cancer-predisposing syndrome. Last evaluated: 2024-08-19. Review status: criteria provided, single submitter. Criteria: Ambry Variant Classification Scheme 2023. Collection method: clinical testing. Allele origin: germline.
Comment: The p.R467S variant (also known as c.1401A>T), located in coding exon 13 of the NF2 gene, results from an A to T substitution at nucleotide position 1401. The arginine at codon 467 is replaced by serine, an amino acid with dissimilar properties. This amino acid position is conserved. In addition, the in silico prediction for this alteration is inconclusive. Based on the available evidence, the clinical significance of this variant remains unclear.